The following is an entry in ClinVar:

NM_001040108.2(MLH3):c.147C>T (p.Thr49=)

Gene: MLH3 (mutL homolog 3; minus strand). Cytogenetic location: 14q24.3.
Variant type: single nucleotide variant.
Coding change: c.147C>T on transcript NM_001040108.2 (MANE Select); coding-DNA position 147, C replaced by T.
Protein change: p.Thr49=; no amino-acid change (threonine 49 retained).
Molecular consequence: synonymous variant.
Genome position (GRCh38, 1-based): chr14:75,049,509, G>A on the plus strand (C>T on the coding strand, the complement: MLH3 is on the minus strand). VCF-style: chr14-75049509-G-A. GRCh37 (hg19) VCF-style: chr14-75516212-G-A.
Other names: c.147C>T, p.Thr49= (NM_014381.3).
Identifiers: ClinVar variation 1127835 (VCV001127835.12), dbSNP rs2139612558, ClinGen allele CA487274422.

ClinVar aggregate classification (germline): Benign/Likely benign. Review status: criteria provided, multiple submitters, no conflicts (2 of 4 stars). 3 submissions from 3 submitters: Benign (1); Likely benign (2). Last evaluated 2026-09-18.

Conditions:
Colorectal cancer, hereditary nonpolyposis, type 7. Identifiers: Orphanet 144, MedGen C1858380, MONDO:0013725, OMIM 614385.

Submissions (3):

Myriad Genetics, Inc.
Classification: Benign for Colorectal cancer, hereditary nonpolyposis, type 7. Last evaluated: 2026-09-18. Review status: criteria provided, single submitter. Criteria: Myriad Autosomal Dominant, Autosomal Recessive and X-Linked Classification Criteria (2023). Collection method: clinical testing. Allele origin: unknown.
Comment: This variant is considered benign. This variant is a silent/synonymous amino acid change and it is not expected to impact splicing.

Ambry Genetics
Classification: Likely benign. Last evaluated: 2021-04-05. Review status: criteria provided, single submitter. Criteria: Ambry Variant Classification Scheme 2023. Collection method: clinical testing. Allele origin: germline.

Labcorp Genetics (formerly Invitae), Labcorp
Classification: Likely benign for Colorectal cancer, hereditary nonpolyposis, type 7. Last evaluated: 2019-12-11. Review status: criteria provided, single submitter. Criteria: Invitae Variant Classification Sherloc (09022015). Collection method: clinical testing. Allele origin: germline.